The following is an entry in ClinVar:

NM_001046.3(SLC12A2):c.1186A>G (p.Lys396Glu)

Gene: SLC12A2 (solute carrier family 12 member 2; plus strand). Cytogenetic location: 5q23.3.
Variant type: single nucleotide variant.
Coding change: c.1186A>G on transcript NM_001046.3 (MANE Select); coding-DNA position 1186, A replaced by G.
Protein change: p.Lys396Glu; replaces lysine 396 with glutamic acid.
Molecular consequence: missense variant. On other transcripts: non-coding transcript variant (1).
Genome position (GRCh38, 1-based): chr5:128,131,204, A>G. VCF-style: chr5-128131204-A-G. GRCh37 (hg19) VCF-style: chr5-127466896-A-G.
Other names: c.1186A>G, p.Lys396Glu (NM_001256461.2); short protein forms K396E.
Identifiers: ClinVar variation 4279832 (VCV004279832.1).

ClinVar aggregate classification (germline): Uncertain significance (1 of 4 stars; one submission).

Conditions:
Delpire-McNeill syndrome. Also called: SLC12A2-related autosomal dominant infantile-developmental delay-intellectual disability-sensorineural deafness syndrome. Identifiers: Orphanet 633024, MedGen C5436771, MONDO:0033667, OMIM 619083.

gnomAD v4.1: 1 of 1,614,056 alleles (0.000062%); no homozygotes.

Submission:

Clinical Genomics Laboratory, Washington University in St. Louis
Classification: Uncertain significance for Delpire-McNeill syndrome. Last evaluated: 2025-07-17. Review status: criteria provided, single submitter. Criteria: ACMG Guidelines, 2015. Collection method: clinical testing. Allele origin: germline.
Comment: The SLC12A2 c.1186A>G (p.Lys396Glu) variant, to our knowledge, has not been reported in the medical literature. This variant is absent from the general population (gnomAD v2.1.1), indicating it is not a common variant. Computational predictors indicate that the variant is damaging, evidence that correlates with impact to SLC12A2 function. Due to limited information, and based on ACMG/AMP guidelines for variant interpretation (Richards S et al., PMID: 25741868), the clinical significance of this variant is uncertain at this time.